The following is an entry in ClinVar:

ClinVar aggregate classification (germline): Uncertain significance (1 of 4 stars; one submission).

Allele frequency attached by ClinVar (database versions not stated): gnomAD exomes below 0.00001.
gnomAD v4.1: 2 of 1,614,168 alleles (0.00012%); highest among the groups gnomAD compares: Non-Finnish European, 0.00017%; no homozygotes.

Submission:

Labcorp Genetics (formerly Invitae), Labcorp
Classification: Uncertain significance. Last evaluated: 2022-11-28. Review status: criteria provided, single submitter. Criteria: Invitae Variant Classification Sherloc (09022015). Collection method: clinical testing. Allele origin: germline.
Comment: This variant has not been reported in the literature in individuals affected with RAI1-related conditions. Advanced modeling of protein sequence and biophysical properties (such as structural, functional, and spatial information, amino acid conservation, physicochemical variation, residue mobility, and thermodynamic stability) performed at Invitae indicates that this missense variant is not expected to disrupt RAI1 protein function. In summary, the available evidence is currently insufficient to determine the role of this variant in disease. Therefore, it has been classified as a Variant of Uncertain Significance. This variant is not present in population databases (gnomAD no frequency). This sequence change replaces threonine, which is neutral and polar, with serine, which is neutral and polar, at codon 710 of the RAI1 protein (p.Thr710Ser).

NM_030665.4(RAI1):c.2129C>G (p.Thr710Ser)

Gene: RAI1 (retinoic acid induced 1; plus strand). Cytogenetic location: 17p11.2.
Variant type: single nucleotide variant.
Coding change: c.2129C>G on transcript NM_030665.4 (MANE Select); coding-DNA position 2129, C replaced by G.
Protein change: p.Thr710Ser; replaces threonine 710 with serine.
Molecular consequence: missense variant.
Genome position (GRCh38, 1-based): chr17:17,795,077, C>G. VCF-style: chr17-17795077-C-G. GRCh37 (hg19) VCF-style: chr17-17698391-C-G.
Other names: short protein forms T710S.
Identifiers: ClinVar variation 2817193 (VCV002817193.3), dbSNP rs2032180439, ClinGen allele CA398550204.